The following is an entry in ClinVar:

ClinVar aggregate classification (germline): Likely benign (1 of 4 stars; one submission).

Allele frequency attached by ClinVar (database versions not stated): ExAC 0.00009; gnomAD 0.00015; TOPMed 0.00016; ESP Exome Variant Server 0.00019; gnomAD exomes 0.00021.
gnomAD v4.1: 249 of 1,208,450 alleles (0.021%); highest among the groups gnomAD compares: Non-Finnish European, 0.025%; no homozygotes.

Submission:

CeGaT Center for Human Genetics Tuebingen
Classification: Likely benign. Last evaluated: 2023-04-01. Review status: criteria provided, single submitter. Criteria: CeGaT Center For Human Genetics Tuebingen Variant Classification Criteria Version 2. Collection method: clinical testing. Allele origin: germline. Affected: yes. Observed: 1 variant allele.
Comment: FAM47A: BP4, BS2

NM_203408.4(FAM47A):c.217C>T (p.Arg73Cys)

Gene: FAM47A (family with sequence similarity 47 member A; minus strand). Cytogenetic location: Xp21.1.
Variant type: single nucleotide variant.
Coding change: c.217C>T on transcript NM_203408.4 (MANE Select); coding-DNA position 217, C replaced by T.
Protein change: p.Arg73Cys; replaces arginine 73 with cysteine.
Molecular consequence: missense variant.
Genome position (GRCh38, 1-based): chrX:34,132,062, G>A on the plus strand (C>T on the coding strand, the complement: FAM47A is on the minus strand). VCF-style: chrX-34132062-G-A. GRCh37 (hg19) VCF-style: chrX-34150179-G-A.
Other names: short protein forms R73C.
Identifiers: ClinVar variation 2660255 (VCV002660255.24), dbSNP rs201264239, ClinGen allele CA10380689.